The following is an entry in ClinVar:

NM_001291415.2(KDM6A):c.2138C>G (p.Ser713Cys)

Gene: KDM6A (lysine demethylase 6A; plus strand). Cytogenetic location: Xp11.3.
Variant type: single nucleotide variant.
Coding change: c.2138C>G on transcript NM_001291415.2 (MANE Select); coding-DNA position 2138, C replaced by G.
Protein change: p.Ser713Cys; replaces serine 713 with cysteine.
Molecular consequence: missense variant. On other transcripts: non-coding transcript variant (1).
Genome position (GRCh38, 1-based): chrX:45,069,637, C>G. VCF-style: chrX-45069637-C-G. GRCh37 (hg19) VCF-style: chrX-44928882-C-G.
Other names: c.2003C>G, p.Ser668Cys (NM_001291416.2, NM_001419811.1); c.1847C>G, p.Ser616Cys (NM_001291417.2); c.1745C>G, p.Ser582Cys (NM_001291418.2, NM_001419815.1); c.1094C>G, p.Ser365Cys (NM_001291421.2); c.1880C>G, p.Ser627Cys (NM_001410742.1, NM_001419814.1); c.2138C>G, p.Ser713Cys (NM_001419809.1); c.2036C>G, p.Ser679Cys (NM_001419810.1, NM_001419813.1); c.1982C>G, p.Ser661Cys (NM_001419812.1, NM_021140.4); short protein forms S616C, S668C, S713C, S627C, S661C, S582C, S679C, S365C.
Identifiers: ClinVar variation 4992597 (VCV004992597.1).

ClinVar aggregate classification (germline): Uncertain significance (1 of 4 stars; one submission).

Conditions:
KDM6A-related disorder. Also called: KDM6A-related condition.

Submission:

PreventionGenetics, part of Exact Sciences
Classification: Uncertain significance for KDM6A-related condition. Last evaluated: 2025-11-21. Review status: criteria provided, single submitter. Criteria: ACMG Guidelines, 2015. Collection method: clinical testing. Allele origin: germline.
Comment: The KDM6A c.1982C>G variant is predicted to result in the amino acid substitution p.Ser661Cys. To our knowledge, this variant has not been reported in the literature or in a large population database (gnomAD), indicating this variant is rare. At this time, the clinical significance of this variant is uncertain due to the absence of conclusive functional and genetic evidence.